The following is an entry in ClinVar:

NM_018979.4(WNK1):c.2692A>T (p.Thr898Ser)

Gene: WNK1 (WNK lysine deficient protein kinase 1; plus strand). Cytogenetic location: 12p13.33.
Variant type: single nucleotide variant.
Coding change: c.2692A>T on transcript NM_018979.4 (MANE Select); coding-DNA position 2692, A replaced by T.
Protein change: p.Thr898Ser; replaces threonine 898 with serine.
Molecular consequence: missense variant. On other transcripts: intron variant (3).
Genome position (GRCh38, 1-based): chr12:879,891, A>T. VCF-style: chr12-879891-A-T. GRCh37 (hg19) VCF-style: chr12-989057-A-T.
Other names: c.2692A>T (NM_018979.3); c.3867+1530A>T (NM_213655.5); c.3613-830A>T (NM_001184985.2); c.2370+1530A>T (NM_014823.3); short protein forms T898S.
Identifiers: ClinVar variation 2690454 (VCV002690454.3), dbSNP rs777908830, ClinGen allele CA6382545.

ClinVar aggregate classification (germline): Uncertain significance. Review status: criteria provided, multiple submitters, no conflicts (2 of 4 stars). 2 submissions from 2 submitters: Uncertain significance (2). Last evaluated 2026-06-04.

Conditions:
WNK1-related disorder. Also called: WNK1-related condition.

Allele frequency attached by ClinVar (database versions not stated): ExAC 0.00001.
gnomAD v4.1: 48 of 1,613,686 alleles (0.003%); highest among the groups gnomAD compares: Non-Finnish European, 0.004%; no homozygotes.

Submissions (2):

PreventionGenetics, part of Exact Sciences
Classification: Uncertain significance for WNK1-related condition. Last evaluated: 2026-06-04. Review status: criteria provided, single submitter. Criteria: ACMG Guidelines, 2015. Collection method: clinical testing. Allele origin: germline.
Comment: The WNK1 c.2692A>T variant is predicted to result in the amino acid substitution p.Thr898Ser. This variant is deep intronic in the transcripts relevant for neurological disorders (NM_001184985:c.3613-830A>T; NM_213655:c.3867+1530A>T). To our knowledge, this variant has not been reported in the literature. This variant is reported in 0.0016% of alleles in individuals of European (Non-Finnish) descent in gnomAD. At this time, the clinical significance of this variant is uncertain due to the absence of conclusive functional and genetic evidence.

Revvity Omics, Revvity
Classification: Uncertain significance. Last evaluated: 2023-06-29. Review status: criteria provided, single submitter. Criteria: ACMG Guidelines, 2015. Collection method: clinical testing. Allele origin: germline.